The following is an entry in ClinVar:

ClinVar aggregate classification (germline): Uncertain significance. Review status: criteria provided, multiple submitters, no conflicts (2 of 4 stars). 3 submissions from 3 submitters: Uncertain significance (3). Last evaluated 2025-08-03.

Conditions:
Bone mineral density quantitative trait locus 1 (BMND1). Identifiers: MedGen C1866079, OMIM 601884.
Worth disease. Also called: ENDOSTEAL HYPEROSTOSIS, AUTOSOMAL DOMINANT; OSTEOSCLEROSIS, AUTOSOMAL DOMINANT; Autosomal dominant osteosclerosis, Worth type. Identifiers: Orphanet 2790, MedGen C0432273, MONDO:0007764, OMIM 144750.
Exudative vitreoretinopathy 4 (EVR4). Identifiers: Orphanet 891, MedGen C1866176, MONDO:0011151, OMIM 601813.
Osteoporosis. Identifiers: MedGen C0029456, MONDO:0005298, OMIM 166710, HP:0000939.
Polycystic liver disease 4 with or without kidney cysts. Identifiers: MedGen C4693479, MONDO:0044327, OMIM 617875.
Exudative vitreoretinopathy 1 (EVR1). Also called: CRISWICK-SCHEPENS SYNDROME; FEVR, AUTOSOMAL DOMINANT; Familial exudative vitreoretinopathy, autosomal dominant. Identifiers: Orphanet 891, Orphanet 90050, MedGen C1851402, MONDO:0007589, OMIM 133780.
Autosomal dominant osteopetrosis 1 (OPTA1). Also called: OSTEOPETROSIS, AUTOSOMAL DOMINANT, TYPE I. Identifiers: Orphanet 2783, MedGen C1843330, MONDO:0011877, OMIM 607634.
Osteoporosis with pseudoglioma (OPPG). Also called: osteoporosis-pseudoglioma syndrome. Identifiers: Orphanet 2788, MedGen C0432252, MONDO:0009820, OMIM 259770.
Inborn genetic diseases. Identifiers: MedGen C0950123, MeSH D030342.

Allele frequency attached by ClinVar (database versions not stated): gnomAD exomes below 0.00001; TOPMed 0.00001; gnomAD 0.00002.
gnomAD v4.1: 4 of 1,614,060 alleles (0.00025%); highest among the groups gnomAD compares: Non-Finnish European, 0.00034%; no homozygotes.

Submissions (3):

Ambry Genetics
Classification: Uncertain significance for Inborn genetic diseases. Last evaluated: 2025-08-03. Review status: criteria provided, single submitter. Criteria: Ambry Variant Classification Scheme 2023. Collection method: clinical testing. Allele origin: germline.

Labcorp Genetics (formerly Invitae), Labcorp
Classification: Uncertain significance. Last evaluated: 2025-01-13. Review status: criteria provided, single submitter. Criteria: Invitae Variant Classification Sherloc (09022015). Collection method: clinical testing. Allele origin: germline.
Comment: This sequence change replaces serine, which is neutral and polar, with isoleucine, which is neutral and non-polar, at codon 1380 of the LRP5 protein (p.Ser1380Ile). This variant is not present in population databases (gnomAD no frequency). This variant has not been reported in the literature in individuals affected with LRP5-related conditions. ClinVar contains an entry for this variant (Variation ID: 1022902). Invitae Evidence Modeling of protein sequence and biophysical properties (such as structural, functional, and spatial information, amino acid conservation, physicochemical variation, residue mobility, and thermodynamic stability) indicates that this missense variant is not expected to disrupt LRP5 protein function with a negative predictive value of 95%. In summary, the available evidence is currently insufficient to determine the role of this variant in disease. Therefore, it has been classified as a Variant of Uncertain Significance.

Fulgent Genetics
Classification: Uncertain significance for Exudative vitreoretinopathy 1; Worth disease; Osteoporosis; Osteoporosis with pseudoglioma; Exudative vitreoretinopathy 4; Bone mineral density quantitative trait locus 1; Autosomal dominant osteopetrosis 1; Polycystic liver disease 4 with or without kidney cysts. Last evaluated: 2022-03-07. Review status: criteria provided, single submitter. Criteria: ACMG Guidelines, 2015. Collection method: clinical testing. Allele origin: unknown.

NM_002335.4(LRP5):c.4139G>T (p.Ser1380Ile)

Gene: LRP5 (LDL receptor related protein 5; plus strand). Cytogenetic location: 11q13.2.
Variant type: single nucleotide variant.
Coding change: c.4139G>T on transcript NM_002335.4 (MANE Select); coding-DNA position 4139, G replaced by T.
Protein change: p.Ser1380Ile; replaces serine 1380 with isoleucine.
Molecular consequence: missense variant.
Genome position (GRCh38, 1-based): chr11:68,438,473, G>T. VCF-style: chr11-68438473-G-T. GRCh37 (hg19) VCF-style: chr11-68205941-G-T.
Other names: c.4139G>T (NM_002335.2); c.2396G>T, p.Ser799Ile (NM_001291902.2); short protein forms S1380I, S799I.
Identifiers: ClinVar variation 1022902 (VCV001022902.11), dbSNP rs1300430679, ClinGen allele CA381614870.